The following is an entry in ClinVar:

NM_057175.5(NAA15):c.641G>T (p.Cys214Phe)

Gene: NAA15 (N-alpha-acetyltransferase 15, NatA auxiliary subunit; plus strand). Cytogenetic location: 4q31.1.
Variant type: single nucleotide variant.
Coding change: c.641G>T on transcript NM_057175.5 (MANE Select); coding-DNA position 641, G replaced by T.
Protein change: p.Cys214Phe; replaces cysteine 214 with phenylalanine.
Molecular consequence: missense variant.
Genome position (GRCh38, 1-based): chr4:139,344,289, G>T. VCF-style: chr4-139344289-G-T. GRCh37 (hg19) VCF-style: chr4-140265443-G-T.
Other names: c.641G>T, p.Cys214Phe (NM_001410842.1, NM_025085.2); short protein forms C214F.
Identifiers: ClinVar variation 2969050 (VCV002969050.3), dbSNP rs2530379156, ClinGen allele CA358260764.

ClinVar aggregate classification (germline): Uncertain significance (1 of 4 stars; one submission).

Submission:

Labcorp Genetics (formerly Invitae), Labcorp
Classification: Uncertain significance. Last evaluated: 2023-09-29. Review status: criteria provided, single submitter. Criteria: Invitae Variant Classification Sherloc (09022015). Collection method: clinical testing. Allele origin: germline.
Comment: In summary, the available evidence is currently insufficient to determine the role of this variant in disease. Therefore, it has been classified as a Variant of Uncertain Significance. An algorithm developed to predict the effect of missense changes on protein structure and function (PolyPhen-2) suggests that this variant is likely to be tolerated. This variant has not been reported in the literature in individuals affected with NAA15-related conditions. This variant is not present in population databases (gnomAD no frequency). This sequence change replaces cysteine, which is neutral and slightly polar, with phenylalanine, which is neutral and non-polar, at codon 214 of the NAA15 protein (p.Cys214Phe).